The following is an entry in ClinVar:

ClinVar aggregate classification (germline): Uncertain significance (1 of 4 stars; one submission).

Submission:

Labcorp Genetics (formerly Invitae), Labcorp
Classification: Uncertain significance. Last evaluated: 2024-03-05. Review status: criteria provided, single submitter. Criteria: Invitae Variant Classification Sherloc (09022015). Collection method: clinical testing. Allele origin: germline.
Comment: This sequence change replaces valine, which is neutral and non-polar, with aspartic acid, which is acidic and polar, at codon 969 of the COL11A1 protein (p.Val969Asp). This variant is not present in population databases (gnomAD no frequency). This variant has not been reported in the literature in individuals affected with COL11A1-related conditions. Advanced modeling of protein sequence and biophysical properties (such as structural, functional, and spatial information, amino acid conservation, physicochemical variation, residue mobility, and thermodynamic stability) has been performed at Invitae for this missense variant, however the output from this modeling did not meet the statistical confidence thresholds required to predict the impact of this variant on COL11A1 protein function. In summary, the available evidence is currently insufficient to determine the role of this variant in disease. Therefore, it has been classified as a Variant of Uncertain Significance.

NM_001854.4(COL11A1):c.2906T>A (p.Val969Asp)

Gene: COL11A1 (collagen type XI alpha 1 chain; minus strand). Cytogenetic location: 1p21.1.
Variant type: single nucleotide variant.
Coding change: c.2906T>A on transcript NM_001854.4 (MANE Select); coding-DNA position 2906, T replaced by A.
Protein change: p.Val969Asp; replaces valine 969 with aspartic acid.
Molecular consequence: missense variant. On other transcripts: non-coding transcript variant (1).
Genome position (GRCh38, 1-based): chr1:102,965,497, A>T on the plus strand (T>A on the coding strand, the complement: COL11A1 is on the minus strand). VCF-style: chr1-102965497-A-T. GRCh37 (hg19) VCF-style: chr1-103431053-A-T.
Other names: c.2789T>A, p.Val930Asp (NM_001190709.2); c.2942T>A, p.Val981Asp (NM_080629.3); c.2558T>A, p.Val853Asp (NM_080630.4); short protein forms V853D, V969D, V981D, V930D.
Identifiers: ClinVar variation 3644610 (VCV003644610.2).
Genomic context (GRCh38, chr1:102,965,497, plus strand): 5'-ATGTAAACAAAAAATAAATCTTGCTTGGGAAATAAAGCAAAGGAACATACCTGTGGTCCA[A>T]CCACTCCCCCTGGCCCAGGAGGGCCGGTCTTGCCTTGAAATCCCTAAGGAGGCAAAGTAT-3'
Protein context (NP_001845.3, residues 959-979): KTGPPGPGGV[Val969Asp]GPQGPTGETG